The following is an entry in ClinVar:

NM_020831.6(MRTFA):c.2487G>C (p.Glu829Asp)

Gene: MRTFA (myocardin related transcription factor A; minus strand). Cytogenetic location: 22q13.1.
Variant type: single nucleotide variant.
Coding change: c.2487G>C on transcript NM_020831.6 (MANE Select); coding-DNA position 2487, G replaced by C.
Protein change: p.Glu829Asp; replaces glutamic acid 829 with aspartic acid.
Molecular consequence: missense variant.
Genome position (GRCh38, 1-based): chr22:40,417,371, C>G on the plus strand (G>C on the coding strand, the complement: MRTFA is on the minus strand). VCF-style: chr22-40417371-C-G. GRCh37 (hg19) VCF-style: chr22-40813375-C-G.
Other names: c.2187G>C, p.Glu729Asp (NM_001282660.2); c.2337G>C, p.Glu779Asp (NM_001282661.3); c.2487G>C, p.Glu829Asp (NM_001282662.3); c.2292G>C, p.Glu764Asp (NM_001318139.2); short protein forms E764D, E829D, E729D, E779D.
Identifiers: ClinVar variation 2028272 (VCV002028272.4), dbSNP rs772040748, ClinGen allele CA411655889.

ClinVar aggregate classification (germline): Uncertain significance (1 of 4 stars; one submission).

Submission:

Labcorp Genetics (formerly Invitae), Labcorp
Classification: Uncertain significance. Last evaluated: 2022-08-31. Review status: criteria provided, single submitter. Criteria: Invitae Variant Classification Sherloc (09022015). Collection method: clinical testing. Allele origin: germline.
Comment: This variant has not been reported in the literature in individuals affected with MKL1-related conditions. This variant is not present in population databases (gnomAD no frequency). This sequence change replaces glutamic acid, which is acidic and polar, with aspartic acid, which is acidic and polar, at codon 729 of the MKL1 protein (p.Glu729Asp). Algorithms developed to predict the effect of missense changes on protein structure and function output the following: SIFT: "Tolerated"; PolyPhen-2: "Probably Damaging"; Align-GVGD: "Class C0". The aspartic acid amino acid residue is found in multiple mammalian species, which suggests that this missense change does not adversely affect protein function. In summary, the available evidence is currently insufficient to determine the role of this variant in disease. Therefore, it has been classified as a Variant of Uncertain Significance.